The following is an entry in ClinVar:

NM_014989.7(RIMS1):c.1892T>C (p.Leu631Pro)

Gene: RIMS1 (regulating synaptic membrane exocytosis 1; plus strand). Cytogenetic location: 6q13.
Variant type: single nucleotide variant.
Coding change: c.1892T>C on transcript NM_014989.7 (MANE Select); coding-DNA position 1892, T replaced by C.
Protein change: p.Leu631Pro; replaces leucine 631 with proline.
Molecular consequence: missense variant.
Genome position (GRCh38, 1-based): chr6:72,237,857, T>C. VCF-style: chr6-72237857-T-C. GRCh37 (hg19) VCF-style: chr6-72947560-T-C.
Other names: c.314T>C, p.Leu105Pro (NM_001350442.2, NM_001350443.2, NM_001350446.2 and 37 more transcripts); c.245T>C, p.Leu82Pro (NM_001350462.2, NM_001350450.2, NM_001350459.2 and 6 more transcripts); c.71T>C, p.Leu24Pro (NM_001350463.2, NM_001350464.2, NM_001350465.2 and 6 more transcripts); c.269T>C, p.Leu90Pro (NM_001168410.2, NM_001350470.2, NM_001350472.2 and 2 more transcripts); short protein forms L90P, L105P, L24P, L631P, L82P.
Identifiers: ClinVar variation 852756 (VCV000852756.12), dbSNP rs2064906287, ClinGen allele CA364823794.

ClinVar aggregate classification (germline): Uncertain significance. Review status: criteria provided, multiple submitters, no conflicts (2 of 4 stars). 2 submissions from 2 submitters: Uncertain significance (2). Last evaluated 2024-02-02.

Allele frequency attached by ClinVar (database versions not stated): gnomAD exomes below 0.00001.
gnomAD v4.1: 3 of 1,613,544 alleles (0.00019%); highest among the groups gnomAD compares: East Asian, 0.0022%; no homozygotes.

Submissions (2):

Labcorp Genetics (formerly Invitae), Labcorp
Classification: Uncertain significance. Last evaluated: 2024-02-02. Review status: criteria provided, single submitter. Criteria: Invitae Variant Classification Sherloc (09022015). Collection method: clinical testing. Allele origin: germline.
Comment: This sequence change replaces leucine, which is neutral and non-polar, with proline, which is neutral and non-polar, at codon 631 of the RIMS1 protein (p.Leu631Pro). This variant is not present in population databases (gnomAD no frequency). This variant has not been reported in the literature in individuals affected with RIMS1-related conditions. ClinVar contains an entry for this variant (Variation ID: 852756). An algorithm developed to predict the effect of missense changes on protein structure and function (PolyPhen-2) suggests that this variant is likely to be disruptive. In summary, the available evidence is currently insufficient to determine the role of this variant in disease. Therefore, it has been classified as a Variant of Uncertain Significance.

Blueprint Genetics
Classification: Uncertain significance. Last evaluated: 2019-10-28. Review status: criteria provided, single submitter. Criteria: ACMG Guidelines, 2015. Collection method: clinical testing. Allele origin: germline.